The following is an entry in ClinVar:

NM_000243.3(MEFV):c.1758T>C (p.Asn586=)

Genes: MEFV (MEFV innate immunity regulator, pyrin; minus strand), LOC126862264 (CDK7 strongly-dependent group 2 enhancer GRCh37_chr16:3293322-3294521; plus strand). Cytogenetic location: 16p13.3.
Variant type: single nucleotide variant.
Coding change: c.1758T>C on transcript NM_000243.3 (MANE Select); coding-DNA position 1758, T replaced by C.
Protein change: p.Asn586=; no amino-acid change (asparagine 586 retained).
Molecular consequence: synonymous variant.
Genome position (GRCh38, 1-based): chr16:3,244,255, A>G on the plus strand (T>C on the coding strand, the complement: MEFV is on the minus strand). VCF-style: chr16-3244255-A-G. GRCh37 (hg19) VCF-style: chr16-3294255-A-G.
Other names: c.1125T>C, p.Asn375= (NM_001198536.2).
Identifiers: ClinVar variation 884985 (VCV000884985.14), dbSNP rs202228332, ClinGen allele CA7860006.

ClinVar aggregate classification (germline): Conflicting classifications of pathogenicity. Review status: criteria provided, conflicting classifications (1 of 4 stars). 8 submissions from 6 submitters: Uncertain significance (2); Benign (3); Likely benign (1). 2 of the submissions do not count toward it. Last evaluated 2024-11-23.

Conditions:
Inborn genetic diseases. Identifiers: MedGen C0950123, MeSH D030342.
Familial Mediterranean fever (FMF). Also called: POLYSEROSITIS, FAMILIAL PAROXYSMAL; POLYSEROSITIS, RECURRENT; Periodic peritonitis; Benign paroxysmal peritonitis. Identifiers: Orphanet 342, MedGen C0031069, MONDO:0018088, OMIM 249100. Disease mechanism: gain of function.
Acute febrile neutrophilic dermatosis (AFND). Also called: Sweet Syndrome; Gomm Button disease. Identifiers: Orphanet 3243, MedGen C0085077, MONDO:0011959, OMIM 608068.
Familial Mediterranean fever, autosomal dominant. Also called: FMF, AUTOSOMAL DOMINANT; Dominant Familial Mediterranean Fever. Identifiers: Orphanet 342, MedGen C1851347, MONDO:0007601, OMIM 134610.

Allele frequency attached by ClinVar (database versions not stated): TOPMed 0.00005; gnomAD exomes 0.00010 and 0.00002; gnomAD 0.00003 and 0.00002; ExAC 0.00002; ESP Exome Variant Server 0.00023.
gnomAD v4.1: 140 of 1,613,852 alleles (0.0087%); highest among the groups gnomAD compares: Non-Finnish European, 0.012%; no homozygotes.

Submissions (8):

Ambry Genetics
Classification: Likely benign for Inborn genetic diseases. Last evaluated: 2024-11-23. Review status: criteria provided, single submitter. Criteria: Ambry Variant Classification Scheme 2023. Collection method: clinical testing. Allele origin: germline.

Genome-Nilou Lab
Classification: Benign for Familial Mediterranean fever. Last evaluated: 2023-02-08. Review status: criteria provided, single submitter. Criteria: ACMG Guidelines, 2015. Collection method: clinical testing. Allele origin: germline.

Genome-Nilou Lab
Classification: Benign for Familial Mediterranean fever, autosomal dominant. Last evaluated: 2023-02-08. Review status: criteria provided, single submitter. Criteria: ACMG Guidelines, 2015. Collection method: clinical testing. Allele origin: germline.

Genome-Nilou Lab
Classification: Benign for Acute febrile neutrophilic dermatosis. Last evaluated: 2023-02-08. Review status: criteria provided, single submitter. Criteria: ACMG Guidelines, 2015. Collection method: clinical testing. Allele origin: germline.

Labcorp Genetics (formerly Invitae), Labcorp
Classification: Uncertain significance for Familial Mediterranean fever. Last evaluated: 2022-08-22. Review status: criteria provided, single submitter. Criteria: Invitae Variant Classification Sherloc (09022015). Collection method: clinical testing. Allele origin: germline.
Comment: This sequence change affects codon 586 of the MEFV mRNA. It is a 'silent' change, meaning that it does not change the encoded amino acid sequence of the MEFV protein. It affects a nucleotide within the consensus splice site. This variant is present in population databases (rs202228332, gnomAD 0.005%). This variant has not been reported in the literature in individuals affected with MEFV-related conditions. ClinVar contains an entry for this variant (Variation ID: 884985). Algorithms developed to predict the effect of sequence changes on RNA splicing suggest that this variant is not likely to affect RNA splicing. In summary, the available evidence is currently insufficient to determine the role of this variant in disease. Therefore, it has been classified as a Variant of Uncertain Significance.

Illumina Laboratory Services, Illumina
Classification: Uncertain significance for Familial Mediterranean fever. Last evaluated: 2018-01-12. Review status: criteria provided, single submitter. Criteria: ICSL Variant Classification Criteria 13 December 2019. Collection method: clinical testing. Allele origin: germline.

Molecular Genetics Laboratory, BC Children's and BC Women's Hospitals
Classification: Likely benign for Familial Mediterranean fever. Last evaluated: 2021-08-11. Review status: no assertion criteria provided. Criteria: ACMG Guidelines, 2015. Collection method: clinical testing. Allele origin: germline. Affected: yes. Not counted in ClinVar's aggregate classification.

Natera, Inc.
Classification: Uncertain significance for Familial Mediterranean fever. Last evaluated: 2020-04-23. Review status: no assertion criteria provided. Collection method: clinical testing. Allele origin: germline. Not counted in ClinVar's aggregate classification.